The following is an entry in ClinVar:

ClinVar aggregate classification (germline): Benign. Review status: criteria provided, multiple submitters, no conflicts (2 of 4 stars). 3 submissions from 3 submitters: Benign (2). 1 of the submissions does not count toward it. Last evaluated 2026-01-26.

Conditions:
TRMT5-related disorder. Also called: TRMT5-related condition.

Allele frequency attached by ClinVar (database versions not stated): gnomAD exomes 0.00056 and 0.00142; ExAC 0.00163; ESP Exome Variant Server 0.00515; gnomAD 0.00526 and 0.00561; 1000 Genomes Project 0.00579; TOPMed 0.00596; 1000 Genomes Project 30x 0.00671.
gnomAD v4.1: 1,681 of 1,614,202 alleles (0.1%); highest among the groups gnomAD compares: African/African-American, 1.8%; 11 homozygotes.

Submissions (3):

Labcorp Genetics (formerly Invitae), Labcorp
Classification: Benign. Last evaluated: 2026-01-26. Review status: criteria provided, single submitter. Criteria: Invitae Variant Classification Sherloc (09022015). Collection method: clinical testing. Allele origin: germline.

Breakthrough Genomics
Classification: Benign. Review status: criteria provided, single submitter. Criteria: ACMG Guidelines, 2015. Collection method: not provided. Allele origin: germline. Inheritance: Autosomal recessive inheritance. Affected: yes.

PreventionGenetics, part of Exact Sciences
Classification: Benign for TRMT5-related condition. Last evaluated: 2019-08-29. Review status: no assertion criteria provided. Collection method: clinical testing. Allele origin: germline. Not counted in ClinVar's aggregate classification.
Comment: This variant is classified as benign based on ACMG/AMP sequence variant interpretation guidelines (Richards et al. 2015 PMID: 25741868, with internal and published modifications).

NM_020810.3(TRMT5):c.1099G>C (p.Glu367Gln)

Gene: TRMT5 (tRNA methyltransferase 5; minus strand). Cytogenetic location: 14q23.1.
Variant type: single nucleotide variant.
Coding change: c.1099G>C on transcript NM_020810.3 (MANE Select); coding-DNA position 1099, G replaced by C.
Protein change: p.Glu367Gln; replaces glutamic acid 367 with glutamine.
Molecular consequence: missense variant.
Genome position (GRCh38, 1-based): chr14:60,975,820, C>G on the plus strand (G>C on the coding strand, the complement: TRMT5 is on the minus strand). VCF-style: chr14-60975820-C-G. GRCh37 (hg19) VCF-style: chr14-61442538-C-G.
Other names: c.1183G>C, p.Glu395Gln (NM_001350253.1); c.1180G>C, p.Glu394Gln (NM_001350254.1); short protein forms E395Q, E394Q, E367Q.
Identifiers: ClinVar variation 710037 (VCV000710037.13), dbSNP rs115955317, ClinGen allele CA7213772.
Genomic context (GRCh38, chr14:60,975,820, plus strand): 5'-TCATGACAACGTGCACAGAGGGTTTTCTTTCTTTTGACAGACCCAGCAGCTGCATTAACT[C>G]TTCTTTGACTGGTCCTTGGAGGAAGTCTTTCCCATCCAAGTTGAAGACTTTCACCTTTTG-3'
Protein context (NP_065861.3, residues 357-377): KDFLQGPVKE[Glu367Gln]LMQLLGLSKE